The following is an entry in ClinVar:

ClinVar aggregate classification (germline): Uncertain significance (1 of 4 stars; one submission).

Conditions:
Hereditary pheochromocytoma and paraganglioma. Also called: Hereditary paragangliomas and pheochromocytomas; Hereditary Paraganglioma-Pheochromocytoma Syndromes; Hereditary pheochromocytoma-paraganglioma. Identifiers: Orphanet 29072, MedGen C4274332, MONDO:0017366.

Allele frequency attached by ClinVar (database versions not stated): gnomAD exomes below 0.00001.

Submission:

Labcorp Genetics (formerly Invitae), Labcorp
Classification: Uncertain significance for Hereditary pheochromocytoma and paraganglioma. Last evaluated: 2021-02-21. Review status: criteria provided, single submitter. Criteria: Invitae Variant Classification Sherloc (09022015). Collection method: clinical testing. Allele origin: germline.
Comment: This variant has not been reported in the literature in individuals with TMEM127-related conditions. In summary, the available evidence is currently insufficient to determine the role of this variant in disease. Therefore, it has been classified as a Variant of Uncertain Significance. Algorithms developed to predict the effect of missense changes on protein structure and function (SIFT, PolyPhen-2, Align-GVGD) all suggest that this variant is likely to be disruptive, but these predictions have not been confirmed by published functional studies and their clinical significance is uncertain. This variant is not present in population databases (ExAC no frequency). This sequence change replaces threonine with serine at codon 126 of the TMEM127 protein (p.Thr126Ser). The threonine residue is highly conserved and there is a small physicochemical difference between threonine and serine.

NM_017849.4(TMEM127):c.376A>T (p.Thr126Ser)

Gene: TMEM127 (transmembrane protein 127; minus strand). Cytogenetic location: 2q11.2.
Variant type: single nucleotide variant.
Coding change: c.376A>T on transcript NM_017849.4 (MANE Select); coding-DNA position 376, A replaced by T.
Protein change: p.Thr126Ser; replaces threonine 126 with serine.
Molecular consequence: missense variant.
Genome position (GRCh38, 1-based): chr2:96,254,866, T>A on the plus strand (A>T on the coding strand, the complement: TMEM127 is on the minus strand). VCF-style: chr2-96254866-T-A. GRCh37 (hg19) VCF-style: chr2-96920604-T-A.
Other names: c.376A>T, p.Thr126Ser (NM_001193304.3); short protein forms T126S.
Identifiers: ClinVar variation 1472939 (VCV001472939.8), dbSNP rs1684169726, ClinGen allele CA347653309.